The following is an entry in ClinVar:

ClinVar aggregate classification (germline): Likely pathogenic. Review status: criteria provided, multiple submitters, no conflicts (2 of 4 stars). 2 submissions from 2 submitters: Likely pathogenic (2). Last evaluated 2021-10-13.

Conditions:
Autosomal recessive Alport syndrome (ATS2). Also called: COL4A4 Alport Syndrome and Thin Basement Membrane Nephropathy; ALPORT SYNDROME 2, AUTOSOMAL RECESSIVE; Alport syndrome type 2; COL4A3-Related Nephropathy. Identifiers: Orphanet 63, Orphanet 88919, MedGen C4746745, MONDO:0008762, OMIM 203780.
Benign familial hematuria. Also called: thin basement membrane disease. Identifiers: MedGen C0241908, MONDO:0957317.

Submissions (2):

Labcorp Genetics (formerly Invitae), Labcorp
Classification: Likely pathogenic. Last evaluated: 2021-10-13. Review status: criteria provided, single submitter. Criteria: Invitae Variant Classification Sherloc (09022015). Collection method: clinical testing. Allele origin: germline.
Comment: In summary, the currently available evidence indicates that the variant is pathogenic, but additional data are needed to prove that conclusively. Therefore, this variant has been classified as Likely Pathogenic. Algorithms developed to predict the effect of sequence changes on RNA splicing suggest that this variant may disrupt the consensus splice site. This variant has not been reported in the literature in individuals affected with COL4A4-related conditions. This variant is not present in population databases (ExAC no frequency). This sequence change affects a donor splice site in intron 41 of the COL4A4 gene. It is expected to disrupt RNA splicing. Variants that disrupt the donor or acceptor splice site typically lead to a loss of protein function (PMID: 16199547), and loss-of-function variants in COL4A4 are known to be pathogenic (PMID: 21196518, 24854265, 25307543).

Fulgent Genetics
Classification: Likely pathogenic for Hematuria, benign familial, 1; Autosomal recessive Alport syndrome. Last evaluated: 2021-06-30. Review status: criteria provided, single submitter. Criteria: ACMG Guidelines, 2015. Collection method: clinical testing. Allele origin: unknown.
Comment: This variant has been detected in individual(s) who were sent for testing of Renasight - kidney gene panel.

Literature cited by the submitters: PubMed 16199547 (cited by Labcorp Genetics (formerly Invitae), Labcorp); PubMed 21196518 (cited by Labcorp Genetics (formerly Invitae), Labcorp); PubMed 24854265 (cited by Labcorp Genetics (formerly Invitae), Labcorp); PubMed 25307543 (cited by Labcorp Genetics (formerly Invitae), Labcorp).

NM_000092.5(COL4A4):c.3973+1G>T

Gene: COL4A4 (collagen type IV alpha 4 chain; minus strand). Cytogenetic location: 2q36.3.
Variant type: single nucleotide variant.
Coding change: c.3973+1G>T on transcript NM_000092.5 (MANE Select); the canonical splice donor site of the intron after coding-DNA position 3973, G replaced by T.
Molecular consequence: splice donor variant.
Genome position (GRCh38, 1-based): chr2:227,030,442, C>A on the plus strand (G>T on the coding strand, the complement: COL4A4 is on the minus strand). VCF-style: chr2-227030442-C-A. GRCh37 (hg19) VCF-style: chr2-227895158-C-A.
Identifiers: ClinVar variation 1179084 (VCV001179084.8), dbSNP rs755478262, ClinGen allele CA350837154.